The following is an entry in ClinVar:

ClinVar aggregate classification (germline): Uncertain significance (1 of 4 stars; one submission).

Submission:

Labcorp Genetics (formerly Invitae), Labcorp
Classification: Uncertain significance. Last evaluated: 2024-01-12. Review status: criteria provided, single submitter. Criteria: Invitae Variant Classification Sherloc (09022015). Collection method: clinical testing. Allele origin: germline.
Comment: This sequence change replaces asparagine, which is neutral and polar, with histidine, which is basic and polar, at codon 207 of the MYO7A protein (p.Asn207His). This variant is not present in population databases (gnomAD no frequency). This variant has not been reported in the literature in individuals affected with MYO7A-related conditions. Advanced modeling of protein sequence and biophysical properties (such as structural, functional, and spatial information, amino acid conservation, physicochemical variation, residue mobility, and thermodynamic stability) performed at Invitae indicates that this missense variant is expected to disrupt MYO7A protein function with a positive predictive value of 80%. In summary, the available evidence is currently insufficient to determine the role of this variant in disease. Therefore, it has been classified as a Variant of Uncertain Significance.

NM_000260.4(MYO7A):c.619A>C (p.Asn207His)

Gene: MYO7A (myosin VIIA; plus strand). Cytogenetic location: 11q13.5.
Variant type: single nucleotide variant.
Coding change: c.619A>C on transcript NM_000260.4 (MANE Select); coding-DNA position 619, A replaced by C.
Protein change: p.Asn207His; replaces asparagine 207 with histidine.
Molecular consequence: missense variant.
Genome position (GRCh38, 1-based): chr11:77,156,888, A>C. VCF-style: chr11-77156888-A-C. GRCh37 (hg19) VCF-style: chr11-76867934-A-C.
Other names: c.619A>C, p.Asn207His (NM_001127180.2); c.586A>C, p.Asn196His (NM_001369365.1); short protein forms N207H, N196H.
Identifiers: ClinVar variation 2709089 (VCV002709089.3), dbSNP rs2496748960, ClinGen allele CA381932065.